The following is an entry in ClinVar:

ClinVar aggregate classification (germline): Uncertain significance (1 of 4 stars; one submission).

Conditions:
Hereditary cancer-predisposing syndrome. Also called: Neoplastic Syndromes, Hereditary; Tumor predisposition; Hereditary neoplastic syndrome; Hereditary Cancer Syndrome. Identifiers: Orphanet 140162, MedGen C0027672, MeSH D009386, MONDO:0015356.

Submission:

Ambry Genetics
Classification: Uncertain significance for Hereditary cancer-predisposing syndrome. Last evaluated: 2026-07-13. Review status: criteria provided, single submitter. Criteria: Ambry Variant Classification Scheme 2023. Collection method: clinical testing. Allele origin: germline.
Comment: The p.P88H variant (also known as c.263C>A), located in coding exon 3 of the CDH1 gene, results from a C to A substitution at nucleotide position 263. The proline at codon 88 is replaced by histidine, an amino acid with similar properties. This amino acid position is conserved. In addition, this alteration is predicted to be tolerated by in silico analysis. Based on the available evidence, the clinical significance of this variant remains unclear.

NM_004360.5(CDH1):c.263C>A (p.Pro88His)

Gene: CDH1 (cadherin 1; plus strand). Cytogenetic location: 16q22.1.
Variant type: single nucleotide variant.
Coding change: c.263C>A on transcript NM_004360.5 (MANE Select); coding-DNA position 263, C replaced by A.
Protein change: p.Pro88His; replaces proline 88 with histidine.
Molecular consequence: missense variant. On other transcripts: 5 prime UTR variant (2).
Genome position (GRCh38, 1-based): chr16:68,801,769, C>A. VCF-style: chr16-68801769-C-A. GRCh37 (hg19) VCF-style: chr16-68835672-C-A.
Other names: c.263C>A, p.Pro88His (NM_001317184.2); c.-1353C>A (NM_001317185.2); c.-1557C>A (NM_001317186.2); short protein forms P88H.
Identifiers: ClinVar variation 5034000 (VCV005034000.1).